The following is an entry in ClinVar:

NM_001127178.3(PIGG):c.2006G>A (p.Arg669His)

Gene: PIGG (phosphatidylinositol glycan anchor biosynthesis class G (EMM blood group); plus strand). Cytogenetic location: 4p16.3.
Variant type: single nucleotide variant.
Coding change: c.2006G>A on transcript NM_001127178.3 (MANE Select); coding-DNA position 2006, G replaced by A.
Protein change: p.Arg669His; replaces arginine 669 with histidine.
Molecular consequence: missense variant. On other transcripts: non-coding transcript variant (6).
Genome position (GRCh38, 1-based): chr4:523,850, G>A. VCF-style: chr4-523850-G-A. GRCh37 (hg19) VCF-style: chr4-517639-G-A.
Other names: c.1739G>A, p.Arg580His (NM_001289051.2, NM_001345986.2); c.1607G>A, p.Arg536His (NM_001289052.2); c.1715G>A, p.Arg572His (NM_001345987.2); c.977G>A, p.Arg326His (NM_001345988.2); c.473G>A, p.Arg158His (NM_001345990.2, NM_001345991.2); c.908G>A, p.Arg303His (NM_001345994.2); c.1982G>A, p.Arg661His (NM_017733.5); short protein forms R669H, R158H, R326H, R580H, R536H, R572H, R661H, R303H.
Identifiers: ClinVar variation 542887 (VCV000542887.9), dbSNP rs200850789, ClinGen allele CA2793502.
Genomic context (GRCh38, chr4:523,850, plus strand): 5'-GCGAGAAGTGGATGGTGCTGGCCAGTCCGTGGCTAATACTGGCCTGCTGCCGGCTGCTGC[G>A]CTCCCTAAACCAGACAGGTGTGCAGTGGGCTCACCGGCCTGACCTCGGCCACTGGCTCAC-3'
Protein context (NP_001120650.1, residues 659-679): WLILACCRLL[Arg669His]SLNQTGVQWA

ClinVar aggregate classification (germline): Uncertain significance. Review status: criteria provided, multiple submitters, no conflicts (2 of 4 stars). 3 submissions from 3 submitters: Uncertain significance (3). Last evaluated 2025-12-29.

Conditions:
Intellectual disability, autosomal recessive 53 (NEDHSCA). Also called: GLYCOSYLPHOSPHATIDYLINOSITOL BIOSYNTHESIS DEFECT 13; Mental retardation, autosomal recessive 53; NEURODEVELOPMENTAL DISORDER WITH OR WITHOUT HYPOTONIA, SEIZURES, AND CEREBELLAR ATROPHY. Identifiers: Orphanet 488635, MedGen C4310794, MONDO:0014832, OMIM 616917.

Allele frequency attached by ClinVar (database versions not stated): gnomAD exomes 0.00005; ExAC 0.00010; gnomAD 0.00013; TOPMed 0.00014; ESP Exome Variant Server 0.00016; 1000 Genomes Project 30x 0.00031; 1000 Genomes Project 0.00040.
gnomAD v4.1: 86 of 1,594,938 alleles (0.0054%); highest among the groups gnomAD compares: African/African-American, 0.025%; no homozygotes.

Submissions (3):

Center for Genomic Medicine, Rigshospitalet, Copenhagen University Hospital
Classification: Uncertain significance. Last evaluated: 2025-12-29. Review status: criteria provided, single submitter. Criteria: ACMG Guidelines, 2015. Collection method: clinical testing. Allele origin: germline.

GeneDx
Classification: Uncertain significance. Last evaluated: 2025-05-01. Review status: criteria provided, single submitter. Criteria: GeneDx Variant Classification Process June 2021. Collection method: clinical testing. Allele origin: germline. Affected: yes.
Comment: In silico analysis supports that this missense variant has a deleterious effect on protein structure/function; Has not been previously published as pathogenic or benign to our knowledge

Labcorp Genetics (formerly Invitae), Labcorp
Classification: Uncertain significance for Intellectual disability, autosomal recessive 53. Last evaluated: 2022-10-17. Review status: criteria provided, single submitter. Criteria: Invitae Variant Classification Sherloc (09022015). Collection method: clinical testing. Allele origin: germline.
Comment: This sequence change replaces arginine, which is basic and polar, with histidine, which is basic and polar, at codon 669 of the PIGG protein (p.Arg669His). This variant is present in population databases (rs200850789, gnomAD 0.03%). This variant has not been reported in the literature in individuals affected with PIGG-related conditions. ClinVar contains an entry for this variant (Variation ID: 542887). Advanced modeling of protein sequence and biophysical properties (such as structural, functional, and spatial information, amino acid conservation, physicochemical variation, residue mobility, and thermodynamic stability) performed at Invitae indicates that this missense variant is expected to disrupt PIGG protein function. In summary, the available evidence is currently insufficient to determine the role of this variant in disease. Therefore, it has been classified as a Variant of Uncertain Significance.

Literature cited by the submitters: PubMed 26996948 (cited by Center for Genomic Medicine, Rigshospitalet, Copenhagen University Hospital).